The following is an entry in ClinVar:

ClinVar aggregate classification (germline): Uncertain significance (1 of 4 stars; one submission).

Conditions:
Familial cancer of breast. Also called: Hereditary breast cancer; hereditary breast carcinoma; BREAST CANCER, FAMILIAL. Identifiers: Orphanet 227535, MedGen C0346153, MONDO:0016419, OMIM 114480. Disease mechanism: loss of function.
Fanconi anemia complementation group J. Also called: BRIP1-Related Fanconi Anemia. Identifiers: Orphanet 84, MedGen C1836860, MONDO:0012187, OMIM 609054.

Submission:

Labcorp Genetics (formerly Invitae), Labcorp
Classification: Uncertain significance for Familial cancer of breast; Fanconi anemia complementation group J. Last evaluated: 2019-06-13. Review status: criteria provided, single submitter. Criteria: Invitae Variant Classification Sherloc (09022015). Collection method: clinical testing. Allele origin: germline.
Comment: In summary, the available evidence is currently insufficient to determine the role of this variant in disease. Therefore, it has been classified as a Variant of Uncertain Significance. Algorithms developed to predict the effect of missense changes on protein structure and function (SIFT, PolyPhen-2, Align-GVGD) all suggest that this variant is likely to be tolerated, but these predictions have not been confirmed by published functional studies and their clinical significance is uncertain. This sequence change replaces leucine with valine at codon 1058 of the BRIP1 protein (p.Leu1058Val). The leucine residue is weakly conserved and there is a small physicochemical difference between leucine and valine. This variant is not present in population databases (ExAC no frequency). This variant has not been reported in the literature in individuals with BRIP1-related conditions.

NM_032043.3(BRIP1):c.3172C>G (p.Leu1058Val)

Gene: BRIP1 (BRCA1 interacting DNA helicase 1; minus strand). Cytogenetic location: 17q23.2.
Variant type: single nucleotide variant.
Coding change: c.3172C>G on transcript NM_032043.3 (MANE Select); coding-DNA position 3172, C replaced by G.
Protein change: p.Leu1058Val; replaces leucine 1058 with valine.
Molecular consequence: missense variant.
Genome position (GRCh38, 1-based): chr17:61,683,874, G>C on the plus strand (C>G on the coding strand, the complement: BRIP1 is on the minus strand). VCF-style: chr17-61683874-G-C. GRCh37 (hg19) VCF-style: chr17-59761235-G-C.
Other names: short protein forms L1058V.
Identifiers: ClinVar variation 952143 (VCV000952143.10), dbSNP rs2061317781, ClinGen allele CA400479444.